The following is an entry in ClinVar:

NM_139027.6(ADAMTS13):c.3773C>T (p.Ser1258Leu)

Gene: ADAMTS13 (ADAM metallopeptidase with thrombospondin type 1 motif 13; plus strand). Cytogenetic location: 9q34.2.
Variant type: single nucleotide variant.
Coding change: c.3773C>T on transcript NM_139027.6 (MANE Select); coding-DNA position 3773, C replaced by T.
Protein change: p.Ser1258Leu; replaces serine 1258 with leucine.
Molecular consequence: missense variant.
Genome position (GRCh38, 1-based): chr9:133,457,958, C>T. VCF-style: chr9-133457958-C-T. GRCh37 (hg19) VCF-style: chr9-136323080-C-T.
Other names: c.3941C>T, p.Ser1314Leu (NM_139025.5); c.3680C>T, p.Ser1227Leu (NM_139026.6); short protein forms S1314L, S1227L, S1258L.
Identifiers: ClinVar variation 68820 (VCV000068820.13), dbSNP rs142060916, ClinGen allele CA220037.

ClinVar aggregate classification (germline): Benign/Likely benign. Review status: criteria provided, multiple submitters, no conflicts (2 of 4 stars). 6 submissions from 6 submitters: Benign (1); Likely benign (3). 2 of the submissions do not count toward it. Last evaluated 2026-01-12.

Conditions:
Upshaw-Schulman syndrome (TTP). Also called: Congenital thrombotic thrombocytopenic purpura; THROMBOTIC THROMBOCYTOPENIC PURPURA, HEREDITARY. Identifiers: Orphanet 93583, MedGen C1268935, MONDO:0010122, OMIM 274150.
ADAMTS13-related disorder. Also called: ADAMTS13-related condition.

Allele frequency attached by ClinVar (database versions not stated): gnomAD exomes 0.00035 and 0.00016; ExAC 0.00039; gnomAD 0.00016 and 0.00020; ESP Exome Variant Server 0.00023; TOPMed 0.00031; 1000 Genomes Project 30x 0.00125; 1000 Genomes Project 0.00140.
gnomAD v4.1: 277 of 1,613,748 alleles (0.017%); highest among the groups gnomAD compares: East Asian, 0.16%; 1 homozygote.

Submissions (6):

Labcorp Genetics (formerly Invitae), Labcorp
Classification: Benign. Last evaluated: 2026-01-12. Review status: criteria provided, single submitter. Criteria: Invitae Variant Classification Sherloc (09022015). Collection method: clinical testing. Allele origin: germline.

Mayo Clinic Laboratories, Mayo Clinic
Classification: Likely benign. Last evaluated: 2025-10-13. Review status: criteria provided, single submitter. Criteria: ACMG Guidelines, 2015. Collection method: clinical testing. Allele origin: germline. Observed: 6 variant alleles.
Comment: BS1, BP4

Blueprint Genetics
Classification: Likely benign. Last evaluated: 2024-05-28. Review status: criteria provided, single submitter. Criteria: ACMG Guidelines, 2015. Collection method: clinical testing. Allele origin: germline.

Illumina Laboratory Services, Illumina
Classification: Likely benign for Upshaw-Schulman syndrome. Last evaluated: 2017-04-27. Review status: criteria provided, single submitter. Criteria: ICSL Variant Classification Criteria 13 December 2019. Collection method: clinical testing. Allele origin: germline.
Comment: This variant was observed as part of a predisposition screen in an ostensibly healthy population. A literature search was performed for the gene, cDNA change, and amino acid change (where applicable). Publications were found based on this search. The evidence from the literature, in combination with allele frequency data from public databases where available, was sufficient to determine this variant is unlikely to cause disease. Therefore, this variant is classified as likely benign.

PreventionGenetics, part of Exact Sciences
Classification: Likely benign for ADAMTS13-related condition. Last evaluated: 2023-07-27. Review status: no assertion criteria provided. Collection method: clinical testing. Allele origin: germline. Not counted in ClinVar's aggregate classification.
Comment: This variant is classified as likely benign based on ACMG/AMP sequence variant interpretation guidelines (Richards et al. 2015 PMID: 25741868, with internal and published modifications).

UniProtKB/Swiss-Prot
No classification provided. Review status: no classification provided. Collection method: not provided. Allele origin: not provided. Not counted in ClinVar's aggregate classification.

Literature cited by the submitters: PubMed 21488199 (cited by Mayo Clinic Laboratories, Mayo Clinic and Illumina Laboratory Services, Illumina); PubMed 37307703 (cited by Mayo Clinic Laboratories, Mayo Clinic); PubMed 21676167 (cited by Illumina Laboratory Services, Illumina).